The following is an entry in ClinVar:

NM_015662.3(IFT172):c.8T>G (p.Leu3Trp)

Gene: IFT172 (intraflagellar transport 172; minus strand). Cytogenetic location: 2p23.3.
Variant type: single nucleotide variant.
Coding change: c.8T>G on transcript NM_015662.3 (MANE Select); coding-DNA position 8, T replaced by G.
Protein change: p.Leu3Trp; replaces leucine 3 with tryptophan.
Molecular consequence: missense variant.
Genome position (GRCh38, 1-based): chr2:27,489,646, A>C on the plus strand (T>G on the coding strand, the complement: IFT172 is on the minus strand). VCF-style: chr2-27489646-A-C. GRCh37 (hg19) VCF-style: chr2-27712513-A-C.
Other names: c.8T>G (NM_015662.2); short protein forms L3W.
Identifiers: ClinVar variation 1449321 (VCV001449321.9), dbSNP rs1246454433, ClinGen allele CA346404770.

ClinVar aggregate classification (germline): Uncertain significance. Review status: criteria provided, multiple submitters, no conflicts (2 of 4 stars). 3 submissions from 3 submitters: Uncertain significance (3). Last evaluated 2025-04-17.

Conditions:
IFT172-related disorder. Also called: IFT172-related disorders; IFT172-related condition.
Short-rib thoracic dysplasia 10 with or without polydactyly (SRTD10). Identifiers: Orphanet 474, MedGen C3810175, MONDO:0014284, OMIM 615630.
Retinitis pigmentosa 71 (RP71). Identifiers: Orphanet 791, MedGen C4225342, MONDO:0014618, OMIM 616394.

Allele frequency attached by ClinVar (database versions not stated): gnomAD exomes below 0.00001; gnomAD 0.00001.
gnomAD v4.1: 2 of 1,612,382 alleles (0.00012%); highest among the groups gnomAD compares: Non-Finnish European, 0.000085%; no homozygotes.

Submissions (3):

PreventionGenetics, part of Exact Sciences
Classification: Uncertain significance for IFT172-related condition. Last evaluated: 2025-04-17. Review status: criteria provided, single submitter. Criteria: ACMG Guidelines, 2015. Collection method: clinical testing. Allele origin: germline.
Comment: The IFT172 c.8T>G variant is predicted to result in the amino acid substitution p.Leu3Trp. To our knowledge, this variant has not been reported in the literature. This variant is reported in 0.0029% of alleles in individuals of Latino descent in gnomAD. At this time, the clinical significance of this variant is uncertain due to the absence of conclusive functional and genetic evidence.

GeneDx
Classification: Uncertain significance. Last evaluated: 2024-08-19. Review status: criteria provided, single submitter. Criteria: GeneDx Variant Classification Process June 2021. Collection method: clinical testing. Allele origin: germline. Affected: yes.
Comment: Not observed at significant frequency in large population cohorts (gnomAD); In silico analysis supports that this missense variant has a deleterious effect on protein structure/function; Has not been previously published as pathogenic or benign to our knowledge

Labcorp Genetics (formerly Invitae), Labcorp
Classification: Uncertain significance for Retinitis pigmentosa 71; Short-rib thoracic dysplasia 10 with or without polydactyly. Last evaluated: 2023-10-29. Review status: criteria provided, single submitter. Criteria: Invitae Variant Classification Sherloc (09022015). Collection method: clinical testing. Allele origin: germline.
Comment: This sequence change replaces leucine, which is neutral and non-polar, with tryptophan, which is neutral and slightly polar, at codon 3 of the IFT172 protein (p.Leu3Trp). This variant is present in population databases (no rsID available, gnomAD 0.003%). This variant has not been reported in the literature in individuals affected with IFT172-related conditions. ClinVar contains an entry for this variant (Variation ID: 1449321). Advanced modeling of protein sequence and biophysical properties (such as structural, functional, and spatial information, amino acid conservation, physicochemical variation, residue mobility, and thermodynamic stability) performed at Invitae indicates that this missense variant is expected to disrupt IFT172 protein function with a positive predictive value of 80%. In summary, the available evidence is currently insufficient to determine the role of this variant in disease. Therefore, it has been classified as a Variant of Uncertain Significance.